The following is an entry in ClinVar:

ClinVar aggregate classification (germline): Uncertain significance (1 of 4 stars; one submission).

gnomAD v4.1: 1 of 1,613,722 alleles (0.000062%); highest among the groups gnomAD compares: South Asian, 0.0011%; no homozygotes.

Submission:

Labcorp Genetics (formerly Invitae), Labcorp
Classification: Uncertain significance. Last evaluated: 2023-04-03. Review status: criteria provided, single submitter. Criteria: Invitae Variant Classification Sherloc (09022015). Collection method: clinical testing. Allele origin: germline.
Comment: This variant is present in population databases (rs781540328, gnomAD 0.003%). This sequence change replaces histidine, which is basic and polar, with glutamine, which is neutral and polar, at codon 215 of the PLG protein (p.His215Gln). This variant has not been reported in the literature in individuals affected with PLG-related conditions. In summary, the available evidence is currently insufficient to determine the role of this variant in disease. Therefore, it has been classified as a Variant of Uncertain Significance. An algorithm developed to predict the effect of missense changes on protein structure and function (PolyPhen-2) suggests that this variant is likely to be disruptive.

NM_000301.5(PLG):c.645C>A (p.His215Gln)

Gene: PLG (plasminogen; plus strand). Cytogenetic location: 6q26.
Variant type: single nucleotide variant.
Coding change: c.645C>A on transcript NM_000301.5 (MANE Select); coding-DNA position 645, C replaced by A.
Protein change: p.His215Gln; replaces histidine 215 with glutamine.
Molecular consequence: missense variant.
Genome position (GRCh38, 1-based): chr6:160,714,891, C>A. VCF-style: chr6-160714891-C-A. GRCh37 (hg19) VCF-style: chr6-161135923-C-A.
Other names: short protein forms H215Q.
Identifiers: ClinVar variation 3007137 (VCV003007137.3), dbSNP rs781540328, ClinGen allele CA4087508.